The following is an entry in ClinVar:

ClinVar aggregate classification (germline): Pathogenic (1 of 4 stars; one submission).

Conditions:
Telangiectasia, hereditary hemorrhagic, type 2 (HHT2). Also called: ACVRL1-Related Hereditary Hemorrhagic Telangiectasia; Telangiectasia, hereditary hemorrhagic, type II. Identifiers: Orphanet 774, MedGen C1838163, MONDO:0010880, OMIM 600376. Disease mechanism: loss of function.

Submission:

Labcorp Genetics (formerly Invitae), Labcorp
Classification: Pathogenic for Telangiectasia, hereditary hemorrhagic, type 2. Last evaluated: 2023-02-26. Review status: criteria provided, single submitter. Criteria: Invitae Variant Classification Sherloc (09022015). Collection method: clinical testing. Allele origin: germline.
Comment: For these reasons, this variant has been classified as Pathogenic. This premature translational stop signal has been observed in individual(s) with hereditary hemorrhagic telangiectasia (PMID: 23805858). This variant is not present in population databases (gnomAD no frequency). This sequence change creates a premature translational stop signal (p.Ser269*) in the ACVRL1 gene. It is expected to result in an absent or disrupted protein product. Loss-of-function variants in ACVRL1 are known to be pathogenic (PMID: 15879500).

Literature cited by the submitters: PubMed 23805858; PubMed 15879500.

NM_000020.3(ACVRL1):c.806C>A (p.Ser269Ter)

Gene: ACVRL1 (activin A receptor like type 1; plus strand). Cytogenetic location: 12q13.13.
Variant type: single nucleotide variant.
Coding change: c.806C>A on transcript NM_000020.3 (MANE Select); coding-DNA position 806, C replaced by A.
Protein change: p.Ser269Ter; replaces serine 269 with a stop codon.
Molecular consequence: nonsense.
Genome position (GRCh38, 1-based): chr12:51,915,258, C>A. VCF-style: chr12-51915258-C-A. GRCh37 (hg19) VCF-style: chr12-52309042-C-A.
Other names: c.806C>A, p.Ser269Ter (NM_001077401.2, NM_001406487.1, NM_001406488.1 and 1 more transcripts); c.494C>A, p.Ser165Ter (NM_001406490.1, NM_001406491.1, NM_001406492.1 and 2 more transcripts); c.242C>A, p.Ser81Ter (NM_001406495.1); short protein forms S269*, S81*, S165*.
Identifiers: ClinVar variation 2972698 (VCV002972698.3), dbSNP rs2540164135, ClinGen allele CA384900395.
Genomic context (GRCh38, chr12:51,915,258, plus strand): 5'-TGAGTCACCCAACCTTTCTGCACACAGGCTTCATCGCCTCAGACATGACCTCCCGCAACT[C>A]GAGCACGCAGCTGTGGCTCATCACGCACTACCACGAGCACGGCTCCCTCTACGACTTTCT-3'